The following is an entry in ClinVar:

NM_001134363.3(RBM20):c.1994C>G (p.Ser665Cys)

Gene: RBM20 (RNA binding motif protein 20; plus strand). Cytogenetic location: 10q25.2.
Variant type: single nucleotide variant.
Coding change: c.1994C>G on transcript NM_001134363.3 (MANE Select); coding-DNA position 1994, C replaced by G.
Protein change: p.Ser665Cys; replaces serine 665 with cysteine.
Molecular consequence: missense variant.
Genome position (GRCh38, 1-based): chr10:110,812,391, C>G. VCF-style: chr10-110812391-C-G. GRCh37 (hg19) VCF-style: chr10-112572149-C-G.
Other names: c.1994C>G (NM_001134363.2); short protein forms S665C.
Identifiers: ClinVar variation 1784024 (VCV001784024.7), dbSNP rs750494502, ClinGen allele CA5688658.

ClinVar aggregate classification (germline): Conflicting classifications of pathogenicity. Review status: criteria provided, conflicting classifications (1 of 4 stars). 3 submissions from 3 submitters: Uncertain significance (2); Likely benign (1). Last evaluated 2025-05-01.

Conditions:
Dilated cardiomyopathy 1DD (CMD1DD). Identifiers: Orphanet 154, MedGen C2750995, MONDO:0013168, OMIM 613172.
Cardiovascular phenotype. Identifiers: MedGen CN230736.

Allele frequency attached by ClinVar (database versions not stated): ExAC 0.00006.
gnomAD v4.1: 34 of 1,551,608 alleles (0.0022%); highest among the groups gnomAD compares: Non-Finnish European, 0.0028%; no homozygotes.

Submissions (3):

Labcorp Genetics (formerly Invitae), Labcorp
Classification: Likely benign for Dilated cardiomyopathy 1DD. Last evaluated: 2025-05-01. Review status: criteria provided, single submitter. Criteria: Invitae Variant Classification Sherloc (09022015). Collection method: clinical testing. Allele origin: germline.

Molecular Diagnostic Laboratory for Inherited Cardiovascular Disease, Montreal Heart Institute
Classification: Uncertain significance for Cardiovascular phenotype. Last evaluated: 2025-04-09. Review status: criteria provided, single submitter. Criteria: ACMG Guidelines, 2015. Collection method: clinical testing. Allele origin: germline. Affected: yes.

Ambry Genetics
Classification: Uncertain significance for Cardiovascular phenotype. Last evaluated: 2023-06-19. Review status: criteria provided, single submitter. Criteria: Ambry Variant Classification Scheme 2023. Collection method: clinical testing. Allele origin: germline.
Comment: The p.S665C variant (also known as c.1994C>G), located in coding exon 9 of the RBM20 gene, results from a C to G substitution at nucleotide position 1994. The serine at codon 665 is replaced by cysteine, an amino acid with dissimilar properties. This amino acid position is not well conserved in available vertebrate species, and cysteine is the reference amino acid in other vertebrate species. In addition, this alteration is predicted to be tolerated by in silico analysis. Since supporting evidence is limited at this time, the clinical significance of this alteration remains unclear.